The following is an entry in ClinVar:

ClinVar aggregate classification (germline): Uncertain significance (1 of 4 stars; one submission).

Submission:

Labcorp Genetics (formerly Invitae), Labcorp
Classification: Uncertain significance. Last evaluated: 2024-11-05. Review status: criteria provided, single submitter. Criteria: Invitae Variant Classification Sherloc (09022015). Collection method: clinical testing. Allele origin: germline.
Comment: This sequence change replaces proline, which is neutral and non-polar, with leucine, which is neutral and non-polar, at codon 161 of the SEC24D protein (p.Pro161Leu). This variant is present in population databases (no rsID available, gnomAD 0.002%). This variant has not been reported in the literature in individuals affected with SEC24D-related conditions. ClinVar contains an entry for this variant (Variation ID: 1358274). An algorithm developed to predict the effect of missense changes on protein structure and function (PolyPhen-2) suggests that this variant¬†is likely to be tolerated. In summary, the available evidence is currently insufficient to determine the role of this variant in disease. Therefore, it has been classified as a Variant of Uncertain Significance.

NM_014822.4(SEC24D):c.482_483delinsTG (p.Pro161Leu)

Gene: SEC24D (SEC24 homolog D, COPII coat complex component; minus strand). Cytogenetic location: 4q26.
Variant type: Indel.
Coding change: c.482_483delinsTG on transcript NM_014822.4 (MANE Select); coding-DNA positions 482 to 483, CT replaced by TG.
Protein change: p.Pro161Leu; replaces proline 161 with leucine.
Molecular consequence: missense variant.
Genome position (GRCh38, 1-based): chr4:118,815,641-118,815,642, AG replaced by CA on the plus strand (CT replaced by TG on the coding strand, the reverse complement: SEC24D is on the minus strand). VCF-style: chr4-118815641-AG-CA. GRCh37 (hg19) VCF-style: chr4-119736796-AG-CA.
Other names: c.482_483delinsTG, p.Pro161Leu (NM_001318066.2); short protein forms P161L.
Identifiers: ClinVar variation 1358274 (VCV001358274.5), dbSNP rs2110524710, ClinGen allele CA2573138032.